The following is an entry in ClinVar:

NM_007294.4(BRCA1):c.3362A>G (p.Asn1121Ser)

Genes: BRCA1 (BRCA1 DNA repair associated; minus strand), LOC126862571 (BRD4-independent group 4 enhancer GRCh37_chr17:41243136-41244335; plus strand). Cytogenetic location: 17q21.31.
Variant type: single nucleotide variant.
Coding change: c.3362A>G on transcript NM_007294.4 (MANE Select); coding-DNA position 3362, A replaced by G.
Protein change: p.Asn1121Ser; replaces asparagine 1121 with serine.
Molecular consequence: missense variant. On other transcripts: intron variant (137).
Genome position (GRCh38, 1-based): chr17:43,092,169, T>C on the plus strand (A>G on the coding strand, the complement: BRCA1 is on the minus strand). VCF-style: chr17-43092169-T-C. GRCh37 (hg19) VCF-style: chr17-41244186-T-C.
Other names: NP_009225.1:p.Asn1121Ser; 3481A>G; c.3218A>G, p.Asn1073Ser (NM_001407849.1, NM_001407943.1, NM_001407964.1 and 20 more transcripts); c.3221A>G, p.Asn1074Ser (NM_001407850.1, NM_001407851.1, NM_001407852.1 and 29 more transcripts); c.3149A>G, p.Asn1050Ser (NM_001407853.1, NM_001407894.1, NM_001407895.1 and 9 more transcripts); c.3362A>G, p.Asn1121Ser (NM_001407854.1, NM_001407858.1, NM_001407859.1 and 30 more transcripts); c.3359A>G, p.Asn1120Ser (NM_001407860.1, NM_001407861.1, NM_001407587.1 and 22 more transcripts); c.3161A>G, p.Asn1054Ser (NM_001407862.1); and 43 more; short protein forms N1121S, N1074S, N1009S, N1010S, N1053S, N1095S, N825S, N1033S.
Identifiers: ClinVar variation 37527 (VCV000037527.54), dbSNP rs80356919, ClinGen allele CA002182.
Genomic context (GRCh38, chr17:43,092,169, plus strand): 5'-TGACTACTTCCCATAGGCTGTTCTAAGTTATCTGAAATCAGATATGGAGAGAAATCTGTA[T>C]TAACAGTCTGAACTACTTCTTCATATTCTTGCTTTTTTATTTCAGGATGCTTACAATTAC-3'
Protein context (NP_009225.1, residues 1111-1131): QEYEEVVQTV[Asn1121Ser]TDFSPYLISD

ClinVar aggregate classification (germline): Conflicting classifications of pathogenicity. Review status: criteria provided, conflicting classifications (1 of 4 stars). 14 submissions from 14 submitters: Uncertain significance (6); Benign (2); Likely benign (3). 3 of the submissions do not count toward it. Last evaluated 2026-01-07.

Conditions:
Hereditary cancer-predisposing syndrome. Also called: Tumor predisposition; Neoplastic Syndromes, Hereditary; Hereditary Cancer Syndrome; Hereditary neoplastic syndrome. Identifiers: Orphanet 140162, MedGen C0027672, MeSH D009386, MONDO:0015356.
Hereditary breast ovarian cancer syndrome. Also called: Hereditary breast and ovarian cancer syndrome (HBOC); Hereditary breast and ovarian cancer syndrome; Hereditary breast and ovarian cancer; Hereditary breast and/or ovarian cancer syndrome; Breast and ovarian cancer; BRCA1- and BRCA2-Associated Hereditary Breast and Ovarian Cancer. Identifiers: Orphanet 145, MedGen C0677776, MeSH D061325, MONDO:0003582. Disease mechanism: loss of function.
Breast-ovarian cancer, familial, susceptibility to, 1 (BROVCA1). Also called: OVARIAN CANCER, SUSCEPTIBILITY TO; BRCA1 Hereditary Breast and Ovarian Cancer. Identifiers: Orphanet 145, MedGen C2676676, MONDO:0011450, OMIM 604370. Disease mechanism: loss of function.

Allele frequency attached by ClinVar (database versions not stated): gnomAD exomes 0.00001 and 0.00002; ExAC 0.00002; TOPMed 0.00002; gnomAD 0.00003.
gnomAD v4.1: 11 of 1,613,344 alleles (0.00068%); highest among the groups gnomAD compares: African/African-American, 0.0067%; no homozygotes.

Submissions (14):

Labcorp Genetics (formerly Invitae), Labcorp
Classification: Likely benign for Hereditary breast ovarian cancer syndrome. Last evaluated: 2026-01-07. Review status: criteria provided, single submitter. Criteria: Invitae Variant Classification Sherloc (09022015). Collection method: clinical testing. Allele origin: germline.

Quest Diagnostics Nichols Institute San Juan Capistrano
Classification: Uncertain significance. Last evaluated: 2024-12-04. Review status: criteria provided, single submitter. Criteria: Quest Diagnostics criteria. Collection method: clinical testing. Allele origin: unknown.
Comment: The BRCA1 c.3362A>G (p.Asn1121Ser) variant has been reported in the published literature in an individual with ovarian cancer (PMID: 26306726 (2015)). A multifactorial analysis study has reported that this variant is likely not pathogenic (PMID: 31131967 (2019)). The frequency of this variant in the general population (Genome Aggregation Database) is uninformative in the assessment of its pathogenicity. Analysis of this variant using bioinformatics tools for the prediction of the effect of amino acid changes on protein structure and function yielded predictions that this variant is benign. Based on the available information, we are unable to determine the clinical significance of this variant.

Institute for Biomarker Research, Medical Diagnostic Laboratories, L.L.C.
Classification: Uncertain significance for Hereditary breast ovarian cancer syndrome. Last evaluated: 2023-09-26. Review status: criteria provided, single submitter. Criteria: ACMG Guidelines, 2015. Collection method: clinical testing. Allele origin: germline.

University of Washington Department of Laboratory Medicine, University of Washington
Classification: Likely benign for Hereditary cancer-predisposing syndrome. Last evaluated: 2023-03-23. Review status: criteria provided, single submitter. Criteria: Dines et al. (Genet Med. 2020). Collection method: curation. Allele origin: germline.
Comment: Missense variant in a coldspot region where missense variants are very unlikely to be pathogenic (PMID:31911673).

BRCA1 coldspot (exon 11 using historical exon numbering). Reclassification based on statistical prior probability

Sema4
Classification: Uncertain significance for Hereditary cancer-predisposing syndrome. Last evaluated: 2021-11-19. Review status: criteria provided, single submitter. Criteria: Sema4 Curation Guidelines. Collection method: curation. Allele origin: germline.
Comment: The BRCA1 c.3362A>G (p.N1121S) variant has been reported in heterozygosity in at least one individual with ovarian cancer (PMID: 26306726). This variant was observed in 2/16058 chromosomes in the African population according to the Genome Aggregation Database (PMID: 32461654), and has been reported in ClinVar (Variation ID: 37527). Functional studies have not been performed, and in silico predictions of the variant's effect on protein function are inconclusive. Based on the current evidence available, this variant is interpreted as a variant of uncertain significance.

National Health Laboratory Service, Universitas Academic Hospital and University of the Free State
Classification: Uncertain significance for Hereditary breast ovarian cancer syndrome. Last evaluated: 2021-11-16. Review status: criteria provided, single submitter. Criteria: ACMG Guidelines, 2015. Collection method: clinical testing. Allele origin: germline. Affected: yes. Observed: 2 variant alleles.

ARUP Laboratories, Molecular Genetics and Genomics, ARUP Laboratories
Classification: Uncertain significance. Last evaluated: 2020-07-29. Review status: criteria provided, single submitter. Criteria: ARUP Molecular Germline Variant Investigation Process. Collection method: clinical testing. Allele origin: germline.
Comment: The BRCA1 c.3362A>G; p.Asn1121Ser variant (rs80356919) is reported in the literature in an individual affected with ovarian cancer, but without a clear disease association (Minucci 2015). This variant is reported in ClinVar (Variation ID: 37527), and is only observed on four alleles in the Genome Aggregation Database, indicating it is not a common polymorphism. The asparagine at codon 1121 is weakly conserved, and computational analyses (SIFT, PolyPhen-2) predict that this variant is tolerated. Additionally, a multifactorial likelihood analysis categorized this variant as likely benign (Parsons 2019). However, given the lack of clinical and functional data, the significance of the p.Asn1121Ser variant is uncertain at this time. References: Minucci A et al. Clinical impact on ovarian cancer patients of massive parallel sequencing for BRCA mutation detection: the experience at Gemelli hospital and a literature review. Expert Rev Mol Diagn. 2015;15(10):1383-1403. Parsons MT et al. Large scale multifactorial likelihood quantitative analysis of BRCA1 and BRCA2 variants: An ENIGMA resource to support clinical variant classification. Hum Mutat. 2019;40(9):1557-1578.

GeneDx
Classification: Likely benign. Last evaluated: 2019-12-03. Review status: criteria provided, single submitter. Criteria: GeneDx Variant Classification Process June 2021. Collection method: clinical testing. Allele origin: germline. Affected: yes.
Comment: In silico analysis, which includes protein predictors and evolutionary conservation, supports a deleterious effect; This variant is associated with the following publications: (PMID: 26306726, 31131967)

Women's Health and Genetics/Laboratory Corporation of America, LabCorp
Classification: Uncertain significance. Last evaluated: 2019-10-03. Review status: criteria provided, single submitter. Criteria: LabCorp Variant Classification Summary - May 2015. Collection method: clinical testing. Allele origin: germline.
Comment: Variant summary: BRCA1 c.3362A>G (p.Asn1121Ser) results in a conservative amino acid change in the encoded protein sequence. Five of five in-silico tools predict a benign effect of the variant on protein function. The variant allele was found at a frequency of 1.6e-05 in 250354 control chromosomes. The available data on variant occurrences in the general population are insufficient to allow any conclusion about variant significance. c.3362A>G has been reported in the literature at-least once in an individual affected with sporadic and/or familial Ovarian Cancer (Minucci_2015). These report(s) do not provide unequivocal conclusions about association of the variant with Hereditary Breast and Ovarian Cancer. To our knowledge, no experimental evidence demonstrating an impact on protein function has been reported. Six clinical diagnostic laboratories have submitted clinical-significance assessments for this variant to ClinVar after 2014 without evidence for independent evaluation. Multiple laboratories reported the variant with conflicting assessments (VUS, n=3; benign/likely benign, n=3). Based on the evidence outlined above, the variant was classified as uncertain significance.

Color Diagnostics, LLC DBA Color Health
Classification: Benign for Hereditary cancer-predisposing syndrome. Last evaluated: 2016-09-26. Review status: criteria provided, single submitter. Criteria: ACMG Guidelines, 2015. Collection method: clinical testing. Allele origin: germline.

Ambry Genetics
Classification: Benign for Hereditary cancer-predisposing syndrome. Last evaluated: 2015-02-05. Review status: criteria provided, single submitter. Criteria: Ambry Variant Classification Scheme 2023. Collection method: clinical testing. Allele origin: germline.

Counsyl
Classification: Uncertain significance for Breast-ovarian cancer, familial, susceptibility to, 1. Last evaluated: 2016-09-26. Review status: no assertion criteria provided. Collection method: clinical testing. Allele origin: unknown. Not counted in ClinVar's aggregate classification.

Sharing Clinical Reports Project (SCRP)
Classification: Benign for Breast-ovarian cancer, familial 1. Last evaluated: 2012-02-24. Review status: no assertion criteria provided. Collection method: clinical testing. Allele origin: germline. Not counted in ClinVar's aggregate classification.

Breast Cancer Information Core (BIC) (BRCA1)
Classification: Uncertain significance for Breast-ovarian cancer, familial 1. Last evaluated: 2004-11-25. Review status: no assertion criteria provided. Collection method: clinical testing. Allele origin: germline. Affected: yes. Observed: 1 variant allele. Not counted in ClinVar's aggregate classification.

Literature cited by the submitters: PubMed 26306726 (cited by 4 submitters); PubMed 31131967 (cited by Quest Diagnostics Nichols Institute San Juan Capistrano); PubMed 31911673 (cited by Quest Diagnostics Nichols Institute San Juan Capistrano); DOI 10.3389/fgene.2022.834265 (cited by National Health Laboratory Service, Universitas Academic Hospital and University of the Free State).